The following is an entry in ClinVar:

ClinVar aggregate classification (germline): Uncertain significance. Review status: criteria provided, multiple submitters, no conflicts (2 of 4 stars). 2 submissions from 2 submitters: Uncertain significance (2). Last evaluated 2025-11-02.

Conditions:
Primary ciliary dyskinesia. Also called: Ciliary dyskinesia. Identifiers: Orphanet 244, MedGen C0008780, MONDO:0016575, HP:0012265.
Primary ciliary dyskinesia 23 (CILD23). Also called: CILIARY DYSKINESIA, PRIMARY, 23, WITH OR WITHOUT SITUS INVERSUS. Identifiers: Orphanet 244, MedGen C3809548, MONDO:0014193, OMIM 615451.

Allele frequency attached by ClinVar (database versions not stated): ExAC 0.00003; gnomAD 0.00005 and 0.00006; TOPMed 0.00008; gnomAD exomes 0.00009 and 0.00015; ESP Exome Variant Server 0.00015.
gnomAD v4.1: 239 of 1,614,058 alleles (0.015%); highest among the groups gnomAD compares: South Asian, 0.026%; 2 homozygotes.

Submissions (2):

Ambry Genetics
Classification: Uncertain significance for Primary ciliary dyskinesia. Last evaluated: 2025-11-02. Review status: criteria provided, single submitter. Criteria: Ambry Variant Classification Scheme 2023. Collection method: clinical testing. Allele origin: germline.

Labcorp Genetics (formerly Invitae), Labcorp
Classification: Uncertain significance for Primary ciliary dyskinesia 23. Last evaluated: 2022-10-17. Review status: criteria provided, single submitter. Criteria: Invitae Variant Classification Sherloc (09022015). Collection method: clinical testing. Allele origin: germline.
Comment: In summary, the available evidence is currently insufficient to determine the role of this variant in disease. Therefore, it has been classified as a Variant of Uncertain Significance. Algorithms developed to predict the effect of missense changes on protein structure and function output the following: SIFT: "Tolerated"; PolyPhen-2: "Benign"; Align-GVGD: "Class C0". The serine amino acid residue is found in multiple mammalian species, which suggests that this missense change does not adversely affect protein function. ClinVar contains an entry for this variant (Variation ID: 570432). This variant has not been reported in the literature in individuals affected with ARMC4-related conditions. This variant is present in population databases (rs149687959, gnomAD 0.02%). This sequence change replaces asparagine, which is neutral and polar, with serine, which is neutral and polar, at codon 978 of the ARMC4 protein (p.Asn978Ser).

NM_018076.5(ODAD2):c.2933A>G (p.Asn978Ser)

Gene: ODAD2 (outer dynein arm docking complex subunit 2; minus strand). Cytogenetic location: 10p12.1.
Variant type: single nucleotide variant.
Coding change: c.2933A>G on transcript NM_018076.5 (MANE Select); coding-DNA position 2933, A replaced by G.
Protein change: p.Asn978Ser; replaces asparagine 978 with serine.
Molecular consequence: missense variant.
Genome position (GRCh38, 1-based): chr10:27,860,713, T>C on the plus strand (A>G on the coding strand, the complement: ODAD2 is on the minus strand). VCF-style: chr10-27860713-T-C. GRCh37 (hg19) VCF-style: chr10-28149642-T-C.
Other names: c.2933A>G, p.Asn978Ser (NM_001290020.2); c.1508A>G, p.Asn503Ser (NM_001290021.2); c.2009A>G, p.Asn670Ser (NM_001312689.2); short protein forms N978S, N670S, N503S.
Identifiers: ClinVar variation 570432 (VCV000570432.8), dbSNP rs149687959, ClinGen allele CA5453065.